The following is an entry in ClinVar:

NM_000256.3(MYBPC3):c.2423T>C (p.Leu808Pro)

Gene: MYBPC3 (myosin binding protein C3; minus strand). Cytogenetic location: 11p11.2.
Variant type: single nucleotide variant.
Coding change: c.2423T>C on transcript NM_000256.3 (MANE Select); coding-DNA position 2423, T replaced by C.
Protein change: p.Leu808Pro; replaces leucine 808 with proline.
Molecular consequence: missense variant.
Genome position (GRCh38, 1-based): chr11:47,337,570, A>G on the plus strand (T>C on the coding strand, the complement: MYBPC3 is on the minus strand). VCF-style: chr11-47337570-A-G. GRCh37 (hg19) VCF-style: chr11-47359121-A-G.
Other names: short protein forms L808P.
Identifiers: ClinVar variation 1171516 (VCV001171516.4), dbSNP rs2142855537, ClinGen allele CA380318525.
Genomic context (GRCh38, chr11:47,337,570, plus strand): 5'-TCCTGAATCAGGTCGAAGTTCAGCCGCATCCACCGGTAGCTCTTCTTCTTCTTGCGCTCC[A>G]GGATGTAGCCTGGCTCAGGGGAGGTGGCAGCTCTGGTCTGGAACCCAGGCATCCCCACAC-3'
Protein context (NP_000247.2, residues 798-818): DGGQPILGYI[Leu808Pro]ERKKKKSYRW

ClinVar aggregate classification (germline): Uncertain significance. Review status: criteria provided, multiple submitters, no conflicts (2 of 4 stars). 2 submissions from 2 submitters: Uncertain significance (2). Last evaluated 2024-03-06.

Conditions:
Cardiomyopathy (CMYO). Also called: Cardiomyopathies. Identifiers: Orphanet 167848, MedGen C0878544, MONDO:0004994, HP:0001638. Inheritance: Various modes of inheritance.

Submissions (2):

Color Diagnostics, LLC DBA Color Health
Classification: Uncertain significance for Cardiomyopathy. Last evaluated: 2024-03-06. Review status: criteria provided, single submitter. Criteria: ACMG Guidelines, 2015. Collection method: clinical testing. Allele origin: germline.
Comment: This missense variant replaces leucine with proline at codon 808 of the MYBPC3 protein. Computational prediction suggests that this variant may have deleterious impact on protein structure and function (internally defined REVEL score threshold >= 0.7, PMID: 27666373). To our knowledge, functional studies have not been reported for this variant. This variant has not been reported in individuals affected with cardiovascular disorders in the literature. This variant has not been identified in the general population by the Genome Aggregation Database (gnomAD). The available evidence is insufficient to determine the role of this variant in disease conclusively. Therefore, this variant is classified as a Variant of Uncertain Significance.

CHEO Genetics Diagnostic Laboratory, Children's Hospital of Eastern Ontario
Classification: Uncertain significance for Cardiomyopathy. Last evaluated: 2023-04-28. Review status: criteria provided, single submitter. Criteria: ACMG Guidelines, 2015. Collection method: clinical testing. Allele origin: germline.